The following is an entry in ClinVar:

ClinVar aggregate classification (germline): Uncertain significance (1 of 4 stars; one submission).

Conditions:
Brugada syndrome. Also called: Sudden unexpected nocturnal death syndrome; Sudden Unexplained Death Syndrome; Sudden unexplained nocturnal death syndrome; Sudden Unexplained Nocturnal Death Syndrome (SUNDS). Identifiers: Orphanet 130, MedGen C1142166, MONDO:0015263.

gnomAD v4.1: 1 of 1,609,478 alleles (0.000062%); highest among the groups gnomAD compares: Non-Finnish European, 0.000085%; no homozygotes.

Submission:

Labcorp Genetics (formerly Invitae), Labcorp
Classification: Uncertain significance for Brugada syndrome. Last evaluated: 2025-12-03. Review status: criteria provided, single submitter. Criteria: Invitae Variant Classification Sherloc (09022015). Collection method: clinical testing. Allele origin: germline.
Comment: This sequence change replaces isoleucine, which is neutral and non-polar, with methionine, which is neutral and non-polar, at codon 125 of the SLMAP protein (p.Ile125Met). This variant is not present in population databases (gnomAD no frequency). This variant has not been reported in the literature in individuals affected with SLMAP-related conditions. An algorithm developed to predict the effect of missense changes on protein structure and function (PolyPhen-2) suggests that this variant is likely to be disruptive. In summary, the available evidence is currently insufficient to determine the role of this variant in disease. Therefore, it has been classified as a Variant of Uncertain Significance.

NM_001377540.1(SLMAP):c.375A>G (p.Ile125Met)

Gene: SLMAP (sarcolemma associated protein; plus strand). Cytogenetic location: 3p14.3.
Variant type: single nucleotide variant.
Coding change: c.375A>G on transcript NM_001377540.1 (MANE Select); coding-DNA position 375, A replaced by G.
Protein change: p.Ile125Met; replaces isoleucine 125 with methionine.
Molecular consequence: missense variant. On other transcripts: non-coding transcript variant (1).
Genome position (GRCh38, 1-based): chr3:57,841,327, A>G. VCF-style: chr3-57841327-A-G. GRCh37 (hg19) VCF-style: chr3-57827054-A-G.
Other names: c.375A>G, p.Ile125Met (NM_001304420.3, NM_001304421.2, NM_001377538.1 and 17 more transcripts); short protein forms I125M.
Identifiers: ClinVar variation 4695514 (VCV004695514.1).